The following is an entry in ClinVar:

NM_001754.5(RUNX1):c.999dup (p.Arg334fs)

Gene: RUNX1 (RUNX family transcription factor 1; minus strand). Cytogenetic location: 21q22.12.
Variant type: Duplication.
Coding change: c.999dup on transcript NM_001754.5 (MANE Select); coding-DNA position 999, one base duplicated (G; older notation c.999dupG).
Protein change: p.Arg334fs; shifts the reading frame from arginine 334.
Molecular consequence: frameshift variant.
Genome position (GRCh38, 1-based): chr21:34,792,579, C duplicated on the plus strand (G on the coding strand, the reverse complement: RUNX1 is on the minus strand). VCF-style (leftmost placement, unchanged base first): chr21-34792578-G-GC. GRCh37 (hg19) VCF-style: chr21-36164875-G-GC.
Other names: NM_001754.5(RUNX1):c.999dup; p.Arg334fs; c.918dup, p.Arg307fs (NM_001001890.3); short protein forms R307fs, R334fs.
Identifiers: ClinVar variation 1338557 (VCV001338557.6), dbSNP rs2145878129, ClinGen allele CA2573054926.

ClinVar aggregate classification (germline): Likely pathogenic. Review status: reviewed by expert panel (3 of 4 stars). 2 submissions from 2 submitters: Likely pathogenic (1). 1 of the submissions does not count toward it. Last evaluated 2026-10-01.

Conditions:
Hereditary thrombocytopenia and hematologic cancer predisposition syndrome. Identifiers: Orphanet 71290, MedGen CN281654, MONDO:0011071.

Submissions (2):

ClinGen Myeloid Malignancy Variant Curation Expert Panel
Classification: Likely pathogenic for Hereditary thrombocytopenia and hematologic cancer predisposition syndrome. Last evaluated: 2026-10-01. Review status: reviewed by expert panel. Criteria: ClinGen MyeloMalig ACMG Specifications V3.1. Collection method: curation. Allele origin: germline. Inheritance: Autosomal dominant inheritance.
Comment: NM_001754.5(RUNX1):c.999dup (p.Arg334fs) is a frameshift variant which is not predicted to undergo NMD (PVS1_Strong). This variant is downstream of c.98 (PM5_Supporting) and is completely absent from all population databases with at least 20x coverage for RUNX1 (PM2_Supporting). In summary, this variant meets criteria to be classified as likely pathogenic. ACMG/AMP criteria applied, as specified by the Myeloid Malignancy Variant Curation Expert Panel for RUNX1: PVS1_Strong, PM5_Supporting, PM2_Supporting.

Genetic Services Laboratory, University of Chicago
Classification: Likely pathogenic. Last evaluated: 2020-02-24. Review status: criteria provided, single submitter. Criteria: ACMG Guidelines, 2015. Collection method: clinical testing. Allele origin: germline. Affected: yes. Not counted in ClinVar's aggregate classification.
Comment: DNA sequence analysis of the RUNX1 gene demonstrated a 1 base pair duplication in exon 9, c.999dup. The c.999dup sequence change has not been described in population databases (gnomAD, ExAC). This sequence change is predicted to result in a frameshift leading to the formation of a premature stop codon 265 amino acids downstream of the duplication, p.Arg334Alafs*266. While this duplication has not previously been described in the literature, other frameshift duplications in the RUNX1 gene have been described in patients with RUNX1-related disorders (PMIDs: 19357396, 28181366).